The following is an entry in ClinVar:

ClinVar aggregate classification (germline): Uncertain significance (1 of 4 stars; one submission).

Allele frequency attached by ClinVar (database versions not stated): gnomAD exomes below 0.00001.
gnomAD v4.1: 1 of 1,608,134 alleles (0.000062%); highest among the groups gnomAD compares: Non-Finnish European, 0.000085%; no homozygotes.

Submission:

GeneDx
Classification: Uncertain significance. Last evaluated: 2022-10-27. Review status: criteria provided, single submitter. Criteria: GeneDx Variant Classification Process June 2021. Collection method: clinical testing. Allele origin: germline. Affected: yes.
Comment: Not observed at significant frequency in large population cohorts (gnomAD); In silico analysis supports that this missense variant has a deleterious effect on protein structure/function; Has not been previously published as pathogenic or benign to our knowledge

NM_017780.4(CHD7):c.4666C>G (p.Pro1556Ala)

Gene: CHD7 (chromodomain helicase DNA binding protein 7; plus strand). Cytogenetic location: 8q12.2.
Variant type: single nucleotide variant.
Coding change: c.4666C>G on transcript NM_017780.4 (MANE Select); coding-DNA position 4666, C replaced by G.
Protein change: p.Pro1556Ala; replaces proline 1556 with alanine.
Molecular consequence: missense variant. On other transcripts: intron variant (1).
Genome position (GRCh38, 1-based): chr8:60,841,868, C>G. VCF-style: chr8-60841868-C-G. GRCh37 (hg19) VCF-style: chr8-61754427-C-G.
Other names: c.1717-20361C>G (NM_001316690.1); short protein forms P1556A.
Identifiers: ClinVar variation 1800792 (VCV001800792.1), dbSNP rs2487945963, ClinGen allele CA371318958.